The following is an entry in ClinVar:

NM_198239.2(CCN6):c.76C>T (p.Pro26Ser)

Gene: CCN6 (cellular communication network factor 6; plus strand). Cytogenetic location: 6q21.
Variant type: single nucleotide variant.
Coding change: c.76C>T on transcript NM_198239.2 (MANE Select); coding-DNA position 76, C replaced by T.
Protein change: p.Pro26Ser; replaces proline 26 with serine.
Molecular consequence: missense variant. On other transcripts: non-coding transcript variant (2).
Genome position (GRCh38, 1-based): chr6:112,061,018, C>T. VCF-style: chr6-112061018-C-T. GRCh37 (hg19) VCF-style: chr6-112382221-C-T.
Other names: c.76C>T, p.Pro26Ser (NM_003880.4); short protein forms P26S.
Identifiers: ClinVar variation 1680455 (VCV001680455.5), dbSNP rs372990864, ClinGen allele CA3963905.
Genomic context (GRCh38, chr6:112,061,018, plus strand): 5'-TATTTCTAACATCACCTTTATTATCAAATGAAGTTCTGCTGCAGGGTACAGGGCACTGGA[C>T]CATTAGATACAACACCTGAAGGAAGGCCTGGAGAAGTGTCAGATGCACCTCAGCGTAAAC-3'
Protein context (NP_937882.2, residues 16-36): QFCCRVQGTG[Pro26Ser]LDTTPEGRPG

ClinVar aggregate classification (germline): Uncertain significance (1 of 4 stars; one submission).

gnomAD v4.1: 6 of 1,614,014 alleles (0.00037%); highest among the groups gnomAD compares: Admixed American, 0.0017%; no homozygotes.

Submission:

Labcorp Genetics (formerly Invitae), Labcorp
Classification: Uncertain significance. Last evaluated: 2022-08-23. Review status: criteria provided, single submitter. Criteria: Invitae Variant Classification Sherloc (09022015). Collection method: clinical testing. Allele origin: germline.
Comment: This sequence change replaces proline, which is neutral and non-polar, with serine, which is neutral and polar, at codon 26 of the WISP3 protein (p.Pro26Ser). This variant is present in population databases (rs372990864, gnomAD 0.004%). This variant has not been reported in the literature in individuals affected with WISP3-related conditions. ClinVar contains an entry for this variant (Variation ID: 1680455). Algorithms developed to predict the effect of missense changes on protein structure and function output the following: SIFT: "Tolerated"; PolyPhen-2: "Benign"; Align-GVGD: "Class C0". The serine amino acid residue is found in multiple mammalian species, which suggests that this missense change does not adversely affect protein function. In summary, the available evidence is currently insufficient to determine the role of this variant in disease. Therefore, it has been classified as a Variant of Uncertain Significance.